The following is an entry in ClinVar:

NM_005514.8(HLA-B):c.318C>G (p.Arg106=)

Gene: HLA-B (major histocompatibility complex, class I, B; minus strand). Cytogenetic location: 6p21.33.
Variant type: single nucleotide variant.
Coding change: c.318C>G on transcript NM_005514.8 (MANE Select); coding-DNA position 318, C replaced by G.
Protein change: p.Arg106=; no amino-acid change (arginine 106 retained).
Molecular consequence: synonymous variant.
Genome position (GRCh38, 1-based): chr6:31,356,713, G>C on the plus strand (C>G on the coding strand, the complement: HLA-B is on the minus strand). VCF-style: chr6-31356713-G-C. GRCh37 (hg19) VCF-style: chr6-31324490-G-C.
Identifiers: ClinVar variation 2656395 (VCV002656395.24), dbSNP rs77604250, ClinGen allele CA136836383.

ClinVar aggregate classification (germline): Likely benign (1 of 4 stars; one submission).

Submission:

CeGaT Center for Human Genetics Tuebingen
Classification: Likely benign. Last evaluated: 2026-09-01. Review status: criteria provided, single submitter. Criteria: CeGaT Center For Human Genetics Tuebingen Variant Classification Criteria Version 2. Collection method: clinical testing. Allele origin: germline. Affected: yes. Observed: 22 variant alleles.
Comment: HLA-B: BP4, BP7